The following is an entry in ClinVar:

NM_001032283.3(TMPO):c.565+2206A>T

Gene: TMPO (thymopoietin; plus strand). Cytogenetic location: 12q23.1.
Variant type: single nucleotide variant.
Coding change: c.565+2206A>T on transcript NM_001032283.3 (MANE Select); 2206 bases into the intron after coding-DNA position 565, A replaced by T.
Molecular consequence: intron variant. On other transcripts: missense variant (1).
Genome position (GRCh38, 1-based): chr12:98,534,044, A>T. VCF-style: chr12-98534044-A-T. GRCh37 (hg19) VCF-style: chr12-98927822-A-T.
Other names: c.565+2206A>T (NM_001307975.2, NM_001032284.3); c.1787A>T, p.Asp596Val (NM_003276.2); short protein forms D596V.
Identifiers: ClinVar variation 4841516 (VCV004841516.1).

ClinVar aggregate classification (germline): Uncertain significance (1 of 4 stars; one submission).

Submission:

Ambry Genetics
Classification: Uncertain significance. Last evaluated: 2026-01-10. Review status: criteria provided, single submitter. Criteria: Ambry Variant Classification Scheme 2023. Collection method: clinical testing. Allele origin: germline.
Comment: The p.D596V variant (also known as c.1787A>T), located in coding exon 4 of the TMPO gene, results from an A to T substitution at nucleotide position 1787. The aspartic acid at codon 596 is replaced by valine, an amino acid with highly dissimilar properties. This amino acid position is conserved. In addition, the in silico prediction for this alteration is inconclusive. Based on the available evidence, the clinical significance of this variant remains unclear.